The following is an entry in ClinVar:

NM_001367916.1(MAGT1):c.112T>C (p.Ser38Pro)

Gene: MAGT1 (magnesium transporter 1; minus strand). Cytogenetic location: Xq21.1.
Variant type: single nucleotide variant.
Coding change: c.112T>C on transcript NM_001367916.1 (MANE Select); coding-DNA position 112, T replaced by C.
Protein change: p.Ser38Pro; replaces serine 38 with proline.
Molecular consequence: missense variant.
Genome position (GRCh38, 1-based): chrX:77,875,588, A>G on the plus strand (T>C on the coding strand, the complement: MAGT1 is on the minus strand). VCF-style: chrX-77875588-A-G. GRCh37 (hg19) VCF-style: chrX-77131085-A-G.
Other names: c.208T>C, p.Ser70Pro (NM_032121.5); short protein forms S38P, S70P.
Identifiers: ClinVar variation 4742466 (VCV004742466.1).

ClinVar aggregate classification (germline): Uncertain significance (1 of 4 stars; one submission).

Conditions:
X-linked immunodeficiency with magnesium defect, Epstein-Barr virus infection and neoplasia. Identifiers: Orphanet 317476, MedGen C3275445, MONDO:0010455, OMIM 300853.

Submission:

Labcorp Genetics (formerly Invitae), Labcorp
Classification: Uncertain significance for X-linked immunodeficiency with magnesium defect, Epstein-Barr virus infection and neoplasia. Last evaluated: 2025-03-18. Review status: criteria provided, single submitter. Criteria: Invitae Variant Classification Sherloc (09022015). Collection method: clinical testing. Allele origin: germline.
Comment: This sequence change replaces serine, which is neutral and polar, with proline, which is neutral and non-polar, at codon 70 of the MAGT1 protein (p.Ser70Pro). This variant is not present in population databases (gnomAD no frequency). This variant has not been reported in the literature in individuals affected with MAGT1-related conditions. Invitae Evidence Modeling of protein sequence and biophysical properties (such as structural, functional, and spatial information, amino acid conservation, physicochemical variation, residue mobility, and thermodynamic stability) indicates that this missense variant is not expected to disrupt MAGT1 protein function with a negative predictive value of 80%. In summary, the available evidence is currently insufficient to determine the role of this variant in disease. Therefore, it has been classified as a Variant of Uncertain Significance.